The following is an entry in ClinVar:

NM_001453.3(FOXC1):c.-433C>G

Genes: FOXC1 (forkhead box C1; plus strand), LOC129995600 (ATAC-STARR-seq lymphoblastoid silent region 16824; plus strand). Cytogenetic location: 6p25.3.
Variant type: single nucleotide variant.
Coding change: c.-433C>G on transcript NM_001453.3 (MANE Select); 433 bases upstream of the start codon, C replaced by G.
Molecular consequence: 5 prime UTR variant.
Genome position (GRCh38, 1-based): chr6:1,610,013, C>G. VCF-style: chr6-1610013-C-G. GRCh37 (hg19) VCF-style: chr6-1610248-C-G.
Identifiers: ClinVar variation 3031842 (VCV003031842.3), dbSNP rs1762501669, ClinGen allele CA1085282118.

ClinVar aggregate classification (germline): Likely benign. Review status: criteria provided, single submitter (1 of 4 stars). 2 submissions from 2 submitters: Likely benign (1). 1 of the submissions does not count toward it. Last evaluated 2024-11-26.

Conditions:
FOXC1-related disorder. Also called: FOXC1-related condition.

Submissions (2):

Blueprint Genetics
Classification: Likely benign. Last evaluated: 2024-11-26. Review status: criteria provided, single submitter. Criteria: ACMG Guidelines, 2015. Collection method: clinical testing. Allele origin: germline.

PreventionGenetics, part of Exact Sciences
Classification: Likely benign for FOXC1-related condition. Last evaluated: 2021-08-31. Review status: no assertion criteria provided. Collection method: clinical testing. Allele origin: germline. Not counted in ClinVar's aggregate classification.
Comment: This variant is classified as likely benign based on ACMG/AMP sequence variant interpretation guidelines (Richards et al. 2015 PMID: 25741868, with internal and published modifications).